The following is an entry in ClinVar:

ClinVar aggregate classification (germline): Likely benign. Review status: criteria provided, multiple submitters, no conflicts (2 of 4 stars). 2 submissions from 2 submitters: Likely benign (2). Last evaluated 2024-06-19.

Allele frequency attached by ClinVar (database versions not stated): gnomAD 0.00001; TOPMed 0.00001; ExAC 0.00002; gnomAD exomes 0.00002.
gnomAD v4.1: 32 of 1,613,982 alleles (0.002%); highest among the groups gnomAD compares: Middle Eastern, 0.049%; no homozygotes.

Submissions (2):

Blueprint Genetics
Classification: Likely benign. Last evaluated: 2024-06-19. Review status: criteria provided, single submitter. Criteria: ACMG Guidelines, 2015. Collection method: clinical testing. Allele origin: germline.

CeGaT Center for Human Genetics Tuebingen
Classification: Likely benign. Last evaluated: 2024-06-01. Review status: criteria provided, single submitter. Criteria: CeGaT Center For Human Genetics Tuebingen Variant Classification Criteria Version 2. Collection method: clinical testing. Allele origin: germline. Affected: yes. Observed: 1 variant allele.
Comment: ADAMTS3: BP4, BP7

NM_014243.3(ADAMTS3):c.3171G>T (p.Leu1057=)

Gene: ADAMTS3 (ADAM metallopeptidase with thrombospondin type 1 motif 3; minus strand). Cytogenetic location: 4q13.3.
Variant type: single nucleotide variant.
Coding change: c.3171G>T on transcript NM_014243.3 (MANE Select); coding-DNA position 3171, G replaced by T.
Protein change: p.Leu1057=; no amino-acid change (leucine 1057 retained).
Molecular consequence: synonymous variant.
Genome position (GRCh38, 1-based): chr4:72,283,583, C>A on the plus strand (G>T on the coding strand, the complement: ADAMTS3 is on the minus strand). VCF-style: chr4-72283583-C-A. GRCh37 (hg19) VCF-style: chr4-73149300-C-A.
Identifiers: ClinVar variation 3250727 (VCV003250727.19), dbSNP rs762975880.